The following is an entry in ClinVar:

ClinVar aggregate classification (germline): Uncertain significance (1 of 4 stars; one submission).

gnomAD v4.1: 2 of 1,613,208 alleles (0.00012%); highest among the groups gnomAD compares: Non-Finnish European, 0.00017%; no homozygotes.

Submission:

Labcorp Genetics (formerly Invitae), Labcorp
Classification: Uncertain significance. Last evaluated: 2024-07-16. Review status: criteria provided, single submitter. Criteria: Invitae Variant Classification Sherloc (09022015). Collection method: clinical testing. Allele origin: germline.
Comment: This sequence change replaces leucine, which is neutral and non-polar, with proline, which is neutral and non-polar, at codon 2761 of the FBN3 protein (p.Leu2761Pro). This variant is not present in population databases (gnomAD no frequency). This variant has not been reported in the literature in individuals affected with FBN3-related conditions. Advanced modeling of protein sequence and biophysical properties (such as structural, functional, and spatial information, amino acid conservation, physicochemical variation, residue mobility, and thermodynamic stability) performed at Invitae indicates that this missense variant is expected to disrupt FBN3 protein function with a positive predictive value of 80%. In summary, the available evidence is currently insufficient to determine the role of this variant in disease. Therefore, it has been classified as a Variant of Uncertain Significance.

NM_032447.5(FBN3):c.8282T>C (p.Leu2761Pro)

Gene: FBN3 (fibrillin 3; minus strand). Cytogenetic location: 19p13.2.
Variant type: single nucleotide variant.
Coding change: c.8282T>C on transcript NM_032447.5 (MANE Select); coding-DNA position 8282, T replaced by C.
Protein change: p.Leu2761Pro; replaces leucine 2761 with proline.
Molecular consequence: missense variant.
Genome position (GRCh38, 1-based): chr19:8,066,067, A>G on the plus strand (T>C on the coding strand, the complement: FBN3 is on the minus strand). VCF-style: chr19-8066067-A-G. GRCh37 (hg19) VCF-style: chr19-8130951-A-G.
Other names: c.8282T>C, p.Leu2761Pro (NM_001321431.2); short protein forms L2761P.
Identifiers: ClinVar variation 3659685 (VCV003659685.2).
Genomic context (GRCh38, chr19:8,066,067, plus strand): 5'-ATGTGGCTCACCACCTCCAGCCGGTAGGTTCCAGGCCCCGGCCGCCTCCGCCCCAGCTGC[A>G]GGGAGCTGACGCCACGGAGGTGATGCATGCGAAAGAAACCTTGCTCGTTTCCGCGGACGA-3'
Protein context (NP_115823.3, residues 2751-2771): RMHHLRGVSS[Leu2761Pro]QLGRRRPGPG